The following is an entry in ClinVar:

ClinVar aggregate classification (germline): Uncertain significance. Review status: criteria provided, multiple submitters, no conflicts (2 of 4 stars). 2 submissions from 2 submitters: Uncertain significance (2). Last evaluated 2025-06-12.

Conditions:
Inborn genetic diseases. Identifiers: MedGen C0950123, MeSH D030342.

gnomAD v4.1: 10 of 1,613,854 alleles (0.00062%); highest among the groups gnomAD compares: African/African-American, 0.004%; no homozygotes.

Submissions (2):

Ambry Genetics
Classification: Uncertain significance for Inborn genetic diseases. Last evaluated: 2025-06-12. Review status: criteria provided, single submitter. Criteria: Ambry Variant Classification Scheme 2023. Collection method: clinical testing. Allele origin: germline.

GeneDx
Classification: Uncertain significance. Last evaluated: 2024-04-16. Review status: criteria provided, single submitter. Criteria: GeneDx Variant Classification Process June 2021. Collection method: clinical testing. Allele origin: germline. Affected: yes.
Comment: Not observed at significant frequency in large population cohorts (gnomAD); In silico analysis indicates that this missense variant does not alter protein structure/function; Has not been previously published as pathogenic or benign to our knowledge

NM_005002.5(NDUFA9):c.616A>G (p.Ile206Val)

Gene: NDUFA9 (NADH:ubiquinone oxidoreductase subunit A9; plus strand). Cytogenetic location: 12p13.32.
Variant type: single nucleotide variant.
Coding change: c.616A>G on transcript NM_005002.5 (MANE Select); coding-DNA position 616, A replaced by G.
Protein change: p.Ile206Val; replaces isoleucine 206 with valine.
Molecular consequence: missense variant.
Genome position (GRCh38, 1-based): chr12:4,662,596, A>G. VCF-style: chr12-4662596-A-G. GRCh37 (hg19) VCF-style: chr12-4771762-A-G.
Other names: short protein forms I206V.
Identifiers: ClinVar variation 3372648 (VCV003372648.2).